The following is an entry in ClinVar:

ClinVar aggregate classification (germline): Uncertain significance (1 of 4 stars; one submission).

Allele frequency attached by ClinVar (database versions not stated): TOPMed below 0.00001; gnomAD 0.00001.
gnomAD v4.1: 11 of 1,613,584 alleles (0.00068%); highest among the groups gnomAD compares: Non-Finnish European, 0.00093%; no homozygotes.

Submission:

Labcorp Genetics (formerly Invitae), Labcorp
Classification: Uncertain significance. Last evaluated: 2021-12-10. Review status: criteria provided, single submitter. Criteria: Invitae Variant Classification Sherloc (09022015). Collection method: clinical testing. Allele origin: germline.
Comment: This sequence change replaces serine, which is neutral and polar, with tyrosine, which is neutral and polar, at codon 1132 of the FREM1 protein (p.Ser1132Tyr). In summary, the available evidence is currently insufficient to determine the role of this variant in disease. Therefore, it has been classified as a Variant of Uncertain Significance. Algorithms developed to predict the effect of missense changes on protein structure and function are either unavailable or do not agree on the potential impact of this missense change (SIFT: "Deleterious"; PolyPhen-2: "Probably Damaging"; Align-GVGD: "Class C15"). This variant has not been reported in the literature in individuals affected with FREM1-related conditions. This variant is not present in population databases (gnomAD no frequency).

NM_001379081.2(FREM1):c.3395C>A (p.Ser1132Tyr)

Gene: FREM1 (FRAS1 related extracellular matrix 1; minus strand). Cytogenetic location: 9p22.3.
Variant type: single nucleotide variant.
Coding change: c.3395C>A on transcript NM_001379081.2 (MANE Select); coding-DNA position 3395, C replaced by A.
Protein change: p.Ser1132Tyr; replaces serine 1132 with tyrosine.
Molecular consequence: missense variant. On other transcripts: non-coding transcript variant (2).
Genome position (GRCh38, 1-based): chr9:14,805,032, G>T on the plus strand (C>A on the coding strand, the complement: FREM1 is on the minus strand). VCF-style: chr9-14805032-G-T. GRCh37 (hg19) VCF-style: chr9-14805030-G-T.
Other names: c.3395C>A, p.Ser1132Tyr (NM_144966.7); short protein forms S1132Y.
Identifiers: ClinVar variation 1486759 (VCV001486759.6), dbSNP rs1818099210, ClinGen allele CA372968167.